The following is an entry in ClinVar:

NM_001040108.2(MLH3):c.4209A>G (p.Leu1403=)

Gene: MLH3 (mutL homolog 3; minus strand). Cytogenetic location: 14q24.3.
Variant type: single nucleotide variant.
Coding change: c.4209A>G on transcript NM_001040108.2 (MANE Select); coding-DNA position 4209, A replaced by G.
Protein change: p.Leu1403=; no amino-acid change (leucine 1403 retained).
Molecular consequence: synonymous variant.
Genome position (GRCh38, 1-based): chr14:75,018,862, T>C on the plus strand (A>G on the coding strand, the complement: MLH3 is on the minus strand). VCF-style: chr14-75018862-T-C. GRCh37 (hg19) VCF-style: chr14-75485565-T-C.
Other names: c.4137A>G, p.Leu1379= (NM_014381.3).
Identifiers: ClinVar variation 1738704 (VCV001738704.3), dbSNP rs1890075663, ClinGen allele CA487174992.

ClinVar aggregate classification (germline): Benign/Likely benign. Review status: criteria provided, multiple submitters, no conflicts (2 of 4 stars). 2 submissions from 2 submitters: Benign (1); Likely benign (1). Last evaluated 2026-09-16.

Conditions:
Colorectal cancer, hereditary nonpolyposis, type 7. Identifiers: Orphanet 144, MedGen C1858380, MONDO:0013725, OMIM 614385.

Allele frequency attached by ClinVar (database versions not stated): gnomAD exomes below 0.00001.
gnomAD v4.1: 1 of 1,614,216 alleles (0.000062%); highest among the groups gnomAD compares: Non-Finnish European, 0.000085%; no homozygotes.

Submissions (2):

Myriad Genetics, Inc.
Classification: Benign for Colorectal cancer, hereditary nonpolyposis, type 7. Last evaluated: 2026-09-16. Review status: criteria provided, single submitter. Criteria: Myriad Autosomal Dominant, Autosomal Recessive and X-Linked Classification Criteria (2023). Collection method: clinical testing. Allele origin: unknown.
Comment: This variant is considered benign. This variant is a silent/synonymous amino acid change and it is not expected to impact splicing.

Ambry Genetics
Classification: Likely benign. Last evaluated: 2022-06-20. Review status: criteria provided, single submitter. Criteria: Ambry Variant Classification Scheme 2023. Collection method: clinical testing. Allele origin: germline.